The following is an entry in ClinVar:

ClinVar aggregate classification (germline): Likely benign. Review status: criteria provided, multiple submitters, no conflicts (2 of 4 stars). 3 submissions from 3 submitters: Likely benign (2). 1 of the submissions does not count toward it. Last evaluated 2022-06-01.

Conditions:
PXDNL-related disorder. Also called: PXDNL-related condition.

Allele frequency attached by ClinVar (database versions not stated): gnomAD exomes 0.00006 and 0.00015; ExAC 0.00021; 1000 Genomes Project 0.00040; gnomAD 0.00061 and 0.00063; 1000 Genomes Project 30x 0.00062; TOPMed 0.00063; ESP Exome Variant Server 0.00064.
gnomAD v4.1: 175 of 1,613,566 alleles (0.011%); highest among the groups gnomAD compares: African/African-American, 0.2%; no homozygotes.

Submissions (3):

CeGaT Center for Human Genetics Tuebingen
Classification: Likely benign. Last evaluated: 2022-06-01. Review status: criteria provided, single submitter. Criteria: CeGaT Center For Human Genetics Tuebingen Variant Classification Criteria Version 2. Collection method: clinical testing. Allele origin: germline. Affected: yes. Observed: 1 variant allele.
Comment: PXDNL: BP4

Labcorp Genetics (formerly Invitae), Labcorp
Classification: Likely benign. Last evaluated: 2018-05-16. Review status: criteria provided, single submitter. Criteria: Invitae Variant Classification Sherloc (09022015). Collection method: clinical testing. Allele origin: germline.

PreventionGenetics, part of Exact Sciences
Classification: Likely benign for PXDNL-related condition. Last evaluated: 2019-02-19. Review status: no assertion criteria provided. Collection method: clinical testing. Allele origin: germline. Not counted in ClinVar's aggregate classification.
Comment: This variant is classified as likely benign based on ACMG/AMP sequence variant interpretation guidelines (Richards et al. 2015 PMID: 25741868, with internal and published modifications).

NM_144651.5(PXDNL):c.3558-4C>T

Gene: PXDNL (peroxidasin like; minus strand). Cytogenetic location: 8q11.22.
Variant type: single nucleotide variant.
Coding change: c.3558-4C>T on transcript NM_144651.5 (MANE Select); 4 bases into the intron before coding-DNA position 3558, C replaced by T.
Molecular consequence: intron variant.
Genome position (GRCh38, 1-based): chr8:51,374,735, G>A on the plus strand (C>T on the coding strand, the complement: PXDNL is on the minus strand). VCF-style: chr8-51374735-G-A. GRCh37 (hg19) VCF-style: chr8-52287295-G-A.
Identifiers: ClinVar variation 735891 (VCV000735891.28), dbSNP rs184546026, ClinGen allele CA4744772.
Genomic context (GRCh38, chr8:51,374,735, plus strand): 5'-AGGTCTTCAACCATAAGGGCGGGCCAGAGGTCAATGTCACCTGGAGAGCCGTACAACCTG[G>A]AACAGAGACAGGCAGACAGCGCACACCTGAGACTGAAAGTGGAATTGAAAATATTCCTTA-3'